The following is an entry in ClinVar:

NM_000238.4(KCNH2):c.54C>A (p.Ile18=)

Gene: KCNH2 (potassium voltage-gated channel subfamily H member 2; minus strand). Cytogenetic location: 7q36.1.
Variant type: single nucleotide variant.
Coding change: c.54C>A on transcript NM_000238.4 (MANE Select); coding-DNA position 54, C replaced by A.
Protein change: p.Ile18=; no amino-acid change (isoleucine 18 retained).
Molecular consequence: synonymous variant. On other transcripts: non-coding transcript variant (1).
Genome position (GRCh38, 1-based): chr7:150,977,860, G>T on the plus strand (C>A on the coding strand, the complement: KCNH2 is on the minus strand). VCF-style: chr7-150977860-G-T. GRCh37 (hg19) VCF-style: chr7-150674948-G-T.
Other names: c.54C>A, p.Ile18= (NM_172056.3).
Identifiers: ClinVar variation 2773459 (VCV002773459.3), dbSNP rs772587513, ClinGen allele CA458648294.
Genomic context (GRCh38, chr7:150,977,860, plus strand): 5'-CAGAGCCCCCTCCCCGCTCAGCCCCCTCCCCCACTCACTCTGGCCCTCAAACTTGCGGAT[G>T]ATGGTGTCCAGGAAGGTGTTCTGCGGCGCGACGTGGCCCCTCCGCACCGGCATCCTGAGC-3'
Protein context (NP_000229.1, residues 8-28): VAPQNTFLDT[Ile18=]IRKFEGQSRK

ClinVar aggregate classification (germline): Likely benign. Review status: criteria provided, multiple submitters, no conflicts (2 of 4 stars). 2 submissions from 2 submitters: Likely benign (2). Last evaluated 2023-06-28.

Conditions:
Long QT syndrome (LQTS). Identifiers: MedGen C0023976, MeSH D008133, MONDO:0002442. Disease mechanism: loss of function. Inheritance: Various modes of inheritance.
Cardiac arrhythmia. Also called: Arrhythmia; Cardiac rhythm disease. Identifiers: MedGen C0003811, MONDO:0007263, HP:0011675.

Submissions (2):

All of Us Research Program, National Institutes of Health
Classification: Likely benign for Long QT syndrome. Last evaluated: 2023-06-28. Review status: criteria provided, single submitter. Criteria: ACMG Guidelines, 2015. Collection method: clinical testing. Allele origin: germline. Inheritance: Autosomal dominant inheritance. Observed: 1 variant allele, 1 heterozygote.
Comment: This study involves interpretation of variants in research participants for the purpose of population health screening. Participant phenotype was not available at the time of variant classification. Additional details can be found in publication PMID: 35346344, PMCID: PMC8962531

Color Diagnostics, LLC DBA Color Health
Classification: Likely benign for Cardiac arrhythmia. Last evaluated: 2022-03-25. Review status: criteria provided, single submitter. Criteria: ACMG Guidelines, 2015. Collection method: clinical testing. Allele origin: germline.